The following is an entry in ClinVar:

ClinVar aggregate classification (germline): Pathogenic (1 of 4 stars; one submission).

Submission:

Labcorp Genetics (formerly Invitae), Labcorp
Classification: Pathogenic. Last evaluated: 2021-10-10. Review status: criteria provided, single submitter. Criteria: Invitae Variant Classification Sherloc (09022015). Collection method: clinical testing. Allele origin: germline.
Comment: For these reasons, this variant has been classified as Pathogenic. This variant has not been reported in the literature in individuals affected with OCA2-related conditions. This variant is a gross deletion of the genomic region encompassing exon(s) 17 of the OCA2 gene. This deletion is out-of-frame, and is expected to create a premature termination codon and result in an absent or disrupted protein product. Loss-of-function variants in OCA2 are known to be pathogenic (PMID: 19865097, 21541274).

Literature cited by the submitters: PubMed 19865097; PubMed 21541274.

NC_000015.9:g.(?_28200284)_(28200381_?)del

Gene: OCA2 (OCA2 melanosomal transmembrane protein; minus strand). Cytogenetic location: 15q13.1.
Variant type: Deletion.
Identifiers: ClinVar variation 1454819 (VCV001454819.4).